The following is an entry in ClinVar:

ClinVar aggregate classification (germline): Uncertain significance (1 of 4 stars; one submission).

Conditions:
Hypertrophic cardiomyopathy 1 (CMH1). Also called: MYH7-Related Familial Hypertrophic Cardiomyopathy; Familial hypertrophic cardiomyopathy 1. Identifiers: MedGen C3495498, MONDO:0008647, OMIM 192600.

Allele frequency attached by ClinVar (database versions not stated): gnomAD 0.00001.
gnomAD v4.1: 5 of 1,613,984 alleles (0.00031%); highest among the groups gnomAD compares: African/African-American, 0.0013%; no homozygotes.

Submission:

Labcorp Genetics (formerly Invitae), Labcorp
Classification: Uncertain significance for Hypertrophic cardiomyopathy 1. Last evaluated: 2023-03-09. Review status: criteria provided, single submitter. Criteria: Invitae Variant Classification Sherloc (09022015). Collection method: clinical testing. Allele origin: germline.
Comment: This sequence change replaces lysine, which is basic and polar, with asparagine, which is neutral and polar, at codon 197 of the MYLK2 protein (p.Lys197Asn). This variant is present in population databases (no rsID available, gnomAD 0.01%). In summary, the available evidence is currently insufficient to determine the role of this variant in disease. Therefore, it has been classified as a Variant of Uncertain Significance. Advanced modeling of protein sequence and biophysical properties (such as structural, functional, and spatial information, amino acid conservation, physicochemical variation, residue mobility, and thermodynamic stability) performed at Invitae indicates that this missense variant is not expected to disrupt MYLK2 protein function. This variant has not been reported in the literature in individuals affected with MYLK2-related conditions.

NM_033118.4(MYLK2):c.591G>T (p.Lys197Asn)

Gene: MYLK2 (myosin light chain kinase 2; plus strand). Cytogenetic location: 20q11.21.
Variant type: single nucleotide variant.
Coding change: c.591G>T on transcript NM_033118.4 (MANE Select); coding-DNA position 591, G replaced by T.
Protein change: p.Lys197Asn; replaces lysine 197 with asparagine.
Molecular consequence: missense variant.
Genome position (GRCh38, 1-based): chr20:31,821,556, G>T. VCF-style: chr20-31821556-G-T. GRCh37 (hg19) VCF-style: chr20-30409359-G-T.
Other names: short protein forms K197N.
Identifiers: ClinVar variation 2852664 (VCV002852664.3), dbSNP rs1450943906, ClinGen allele CA408525938.